The following is an entry in ClinVar:

NM_002335.4(LRP5):c.52C>T (p.Leu18=)

Gene: LRP5 (LDL receptor related protein 5; plus strand). Cytogenetic location: 11q13.2.
Variant type: single nucleotide variant.
Coding change: c.52C>T on transcript NM_002335.4 (MANE Select); coding-DNA position 52, C replaced by T.
Protein change: p.Leu18=; no amino-acid change (leucine 18 retained).
Molecular consequence: synonymous variant. On other transcripts: 5 prime UTR variant (1).
Genome position (GRCh38, 1-based): chr11:68,312,766, C>T. VCF-style: chr11-68312766-C-T. GRCh37 (hg19) VCF-style: chr11-68080234-C-T.
Other names: c.-1714C>T (NM_001291902.2); c.52C>T (NM_002335.3).
Identifiers: ClinVar variation 1635166 (VCV001635166.9), dbSNP rs777352225, ClinGen allele CA6148890.
Genomic context (GRCh38, chr11:68,312,766, plus strand): 5'-CCGGACAACATGGAGGCAGCGCCGCCCGGGCCGCCGTGGCCGCTGCTGCTGCTGCTGCTG[C>T]TGCTGCTGGCGCTGTGCGGCTGCCCGGCCCCCGCCGCGGGTAGGTGGGCGCAGGCCGGCC-3'
Protein context (NP_002326.2, residues 8-28): PPWPLLLLLL[Leu18=]LLALCGCPAP

ClinVar aggregate classification (germline): Likely benign. Review status: criteria provided, multiple submitters, no conflicts (2 of 4 stars). 2 submissions from 2 submitters: Likely benign (2). Last evaluated 2026-07-08.

Conditions:
LRP5-related disorder. Also called: LRP5-related condition.

Allele frequency attached by ClinVar (database versions not stated): ExAC 0.00050.
gnomAD v4.1: 7 of 1,088,694 alleles (0.00064%); highest among the groups gnomAD compares: South Asian, 0.01%; no homozygotes.

Submissions (2):

PreventionGenetics, part of Exact Sciences
Classification: Likely benign for LRP5-related condition. Last evaluated: 2026-07-08. Review status: criteria provided, single submitter. Criteria: ACMG Guidelines, 2015. Collection method: clinical testing. Allele origin: germline.
Comment: This variant is classified as likely benign based on ACMG/AMP sequence variant interpretation guidelines (Richards et al. 2015 PMID: 25741868, with internal and published modifications).

Labcorp Genetics (formerly Invitae), Labcorp
Classification: Likely benign. Last evaluated: 2023-06-10. Review status: criteria provided, single submitter. Criteria: Invitae Variant Classification Sherloc (09022015). Collection method: clinical testing. Allele origin: germline.